The following is an entry in ClinVar:

NM_001846.4(COL4A2):c.3760+5G>A

Gene: COL4A2 (collagen type IV alpha 2 chain; plus strand). Cytogenetic location: 13q34.
Variant type: single nucleotide variant.
Coding change: c.3760+5G>A on transcript NM_001846.4 (MANE Select); 5 bases into the intron after coding-DNA position 3760, G replaced by A.
Molecular consequence: intron variant.
Genome position (GRCh38, 1-based): chr13:110,495,472, G>A. VCF-style: chr13-110495472-G-A. GRCh37 (hg19) VCF-style: chr13-111147819-G-A.
Identifiers: ClinVar variation 1349353 (VCV001349353.6), dbSNP rs1883426997, ClinGen allele CA960190063.

ClinVar aggregate classification (germline): Uncertain significance (1 of 4 stars; one submission).

Allele frequency attached by ClinVar (database versions not stated): TOPMed below 0.00001; gnomAD 0.00001.
gnomAD v4.1: 1 of 1,610,506 alleles (0.000062%); highest among the groups gnomAD compares: Admixed American, 0.0017%; no homozygotes.

Submission:

Labcorp Genetics (formerly Invitae), Labcorp
Classification: Uncertain significance. Last evaluated: 2024-03-01. Review status: criteria provided, single submitter. Criteria: Invitae Variant Classification Sherloc (09022015). Collection method: clinical testing. Allele origin: germline.
Comment: This sequence change falls in intron 40 of the COL4A2 gene. It does not directly change the encoded amino acid sequence of the COL4A2 protein. It affects a nucleotide within the consensus splice site. This variant is not present in population databases (gnomAD no frequency). This variant has not been reported in the literature in individuals affected with COL4A2-related conditions. ClinVar contains an entry for this variant (Variation ID: 1349353). Variants that disrupt the consensus splice site are a relatively common cause of aberrant splicing (PMID: 17576681, 9536098). Algorithms developed to predict the effect of sequence changes on RNA splicing suggest that this variant may disrupt the consensus splice site. In summary, the available evidence is currently insufficient to determine the role of this variant in disease. Therefore, it has been classified as a Variant of Uncertain Significance.

Literature cited by the submitters: PubMed 17576681; PubMed 9536098.